The following is an entry in ClinVar:

NM_004100.5(EYA4):c.1829_1830delinsAG (p.Ala610Glu)

Genes: TARID (TCF21 antisense RNA inducing promoter demethylation; minus strand), EYA4 (EYA transcriptional coactivator and phosphatase 4; plus strand). Cytogenetic location: 6q23.2.
Variant type: Indel.
Coding change: c.1829_1830delinsAG on transcript NM_004100.5 (MANE Select); coding-DNA positions 1829 to 1830, CA replaced by AG.
Protein change: p.Ala610Glu; replaces alanine 610 with glutamic acid.
Molecular consequence: missense variant. On other transcripts: intron variant (3).
Genome position (GRCh38, 1-based): chr6:133,525,244-133,525,245, CA replaced by AG. VCF-style: chr6-133525244-CA-AG. GRCh37 (hg19) VCF-style: chr6-133846382-CA-AG.
Other names: c.1847_1848delinsAG, p.Ala616Glu (NM_001301013.2); c.1685_1686delinsAG, p.Ala562Glu (NM_001370459.1); c.1760_1761delinsAG, p.Ala587Glu (NM_172103.4); c.1839+129_1839+130delinsAG (NM_172105.4); c.1770+129_1770+130delinsAG (NM_001370458.1); c.1677+129_1677+130delinsAG (NM_001301012.2); short protein forms A587E, A610E, A562E, A616E.
Identifiers: ClinVar variation 2809749 (VCV002809749.3), dbSNP rs2535526059, ClinGen allele CA2739266155.

ClinVar aggregate classification (germline): Uncertain significance (1 of 4 stars; one submission).

Conditions:
Dilated cardiomyopathy 1J (CMD1J). Also called: CARDIOMYOPATHY, DILATED, WITH SENSORINEURAL HEARING LOSS, AUTOSOMAL DOMINANT. Identifiers: Orphanet 217622, MedGen C1854368, MONDO:0011541, OMIM 605362.

Submission:

Labcorp Genetics (formerly Invitae), Labcorp
Classification: Uncertain significance for Dilated cardiomyopathy 1J. Last evaluated: 2025-08-10. Review status: criteria provided, single submitter. Criteria: Invitae Variant Classification Sherloc (09022015). Collection method: clinical testing. Allele origin: germline.
Comment: This sequence change replaces alanine, which is neutral and non-polar, with glutamic acid, which is acidic and polar, at codon 610 of the EYA4 protein (p.Ala610Glu). Information on the frequency of this variant in the gnomAD database is not available, as this variant may be reported differently in the database. This variant has not been reported in the literature in individuals affected with EYA4-related conditions. ClinVar contains an entry for this variant (Variation ID: 2809749). An algorithm developed to predict the effect of missense changes on protein structure and function (PolyPhen-2) suggests that this variant is likely to be tolerated. In summary, the available evidence is currently insufficient to determine the role of this variant in disease. Therefore, it has been classified as a Variant of Uncertain Significance.